The following is an entry in ClinVar:

NM_001184.4(ATR):c.3640C>T (p.His1214Tyr)

Gene: ATR (ATR checkpoint kinase; minus strand). Cytogenetic location: 3q23.
Variant type: single nucleotide variant.
Coding change: c.3640C>T on transcript NM_001184.4 (MANE Select); coding-DNA position 3640, C replaced by T.
Protein change: p.His1214Tyr; replaces histidine 1214 with tyrosine.
Molecular consequence: missense variant.
Genome position (GRCh38, 1-based): chr3:142,538,567, G>A on the plus strand (C>T on the coding strand, the complement: ATR is on the minus strand). VCF-style: chr3-142538567-G-A. GRCh37 (hg19) VCF-style: chr3-142257409-G-A.
Other names: c.3448C>T, p.His1150Tyr (NM_001354579.2); short protein forms H1214Y, H1150Y.
Identifiers: ClinVar variation 1733514 (VCV001733514.2), dbSNP rs753384940, ClinGen allele CA2650046.

ClinVar aggregate classification (germline): Uncertain significance (1 of 4 stars; one submission).

Conditions:
Inborn genetic diseases. Identifiers: MedGen C0950123, MeSH D030342.

Allele frequency attached by ClinVar (database versions not stated): ExAC 0.00001.

Submission:

Ambry Genetics
Classification: Uncertain significance for Inborn genetic diseases. Last evaluated: 2022-06-24. Review status: criteria provided, single submitter. Criteria: Ambry Variant Classification Scheme 2023. Collection method: clinical testing. Allele origin: germline.
Comment: The p.H1214Y variant (also known as c.3640C>T), located in coding exon 19 of the ATR gene, results from a C to T substitution at nucleotide position 3640. The histidine at codon 1214 is replaced by tyrosine, an amino acid with similar properties. This amino acid position is conserved. In addition, the in silico prediction for this alteration is inconclusive. Since supporting evidence is limited at this time, the clinical significance of this alteration remains unclear.